The following is an entry in ClinVar:

ClinVar aggregate classification (germline): Likely benign. Review status: criteria provided, single submitter (1 of 4 stars). 2 submissions from 2 submitters: Likely benign (1). 1 of the submissions does not count toward it. Last evaluated 2025-12-19.

Conditions:
RNF31-related disorder. Also called: RNF31-related condition.

Allele frequency attached by ClinVar (database versions not stated): ESP Exome Variant Server 0.00008.
gnomAD v4.1: 97 of 1,613,998 alleles (0.006%); highest among the groups gnomAD compares: Non-Finnish European, 0.0077%; no homozygotes.

Submissions (2):

Labcorp Genetics (formerly Invitae), Labcorp
Classification: Likely benign. Last evaluated: 2025-12-19. Review status: criteria provided, single submitter. Criteria: Invitae Variant Classification Sherloc (09022015). Collection method: clinical testing. Allele origin: germline.

PreventionGenetics, part of Exact Sciences
Classification: Likely benign for RNF31-related condition. Last evaluated: 2019-06-11. Review status: no assertion criteria provided. Collection method: clinical testing. Allele origin: germline. Not counted in ClinVar's aggregate classification.
Comment: This variant is classified as likely benign based on ACMG/AMP sequence variant interpretation guidelines (Richards et al. 2015 PMID: 25741868, with internal and published modifications).

NM_017999.5(RNF31):c.2404-9C>T

Gene: RNF31 (ring finger protein 31; plus strand). Cytogenetic location: 14q12.
Variant type: single nucleotide variant.
Coding change: c.2404-9C>T on transcript NM_017999.5 (MANE Select); 9 bases into the intron before coding-DNA position 2404, C replaced by T.
Molecular consequence: intron variant.
Genome position (GRCh38, 1-based): chr14:24,155,594, C>T. VCF-style: chr14-24155594-C-T. GRCh37 (hg19) VCF-style: chr14-24624803-C-T.
Other names: c.1951-9C>T (NM_001310332.2); c.2404-9C>T (NM_017999.4).
Identifiers: ClinVar variation 2182181 (VCV002182181.6), dbSNP rs376896874, ClinGen allele CA7126055.